The following is an entry in ClinVar:

NC_000011.9:g.(?_108150208)_(108225611_?)dup

Gene: ATM (ATM serine/threonine kinase; plus strand). Cytogenetic location: 11q22.3.
Variant type: Duplication.
Identifiers: ClinVar variation 1067118 (VCV001067118.6).

ClinVar aggregate classification (germline): Likely pathogenic (1 of 4 stars; one submission).

Conditions:
Ataxia-telangiectasia syndrome (AT). Also called: LOUIS-BAR SYNDROME; Ataxia-telangiectasia, complementation group D; AT, COMPLEMENTATION GROUP C; Cerebello-oculocutaneous telangiectasia; Immunodeficiency with ataxia telangiectasia; ATAXIA-TELANGIECTASIA, COMPLEMENTATION GROUP A. Identifiers: Orphanet 100, MedGen C0004135, MONDO:0008840, OMIM 208900.

Submission:

Labcorp Genetics (formerly Invitae), Labcorp
Classification: Likely pathogenic for Ataxia-telangiectasia syndrome. Last evaluated: 2022-01-28. Review status: criteria provided, single submitter. Criteria: Invitae Variant Classification Sherloc (09022015). Collection method: clinical testing. Allele origin: germline.
Comment: In summary, the currently available evidence indicates that the variant is pathogenic, but additional data are needed to prove that conclusively. Therefore, this variant has been classified as Likely Pathogenic. This variant has not been reported in the literature in individuals affected with ATM-related conditions. This variant results in a copy number gain of the genomic region encompassing exon(s) 23-61 of the ATM gene. While the exact position of this variant cannot be determined from the data, sub-genic copy number gains are generally in tandem (PMID: 25640679). This variant is predicted to be out-of-frame, and may result in an absent or disrupted protein product. Loss-of-function variants in ATM are known to be pathogenic (PMID: 23807571, 25614872).

Literature cited by the submitters: PubMed 25640679; PubMed 23807571; PubMed 25614872.